The following is an entry in ClinVar:

NM_000392.5(ABCC2):c.2063T>C (p.Met688Thr)

Gene: ABCC2 (ATP binding cassette subfamily C member 2; plus strand). Cytogenetic location: 10q24.2.
Variant type: single nucleotide variant.
Coding change: c.2063T>C on transcript NM_000392.5 (MANE Select); coding-DNA position 2063, T replaced by C.
Protein change: p.Met688Thr; replaces methionine 688 with threonine.
Molecular consequence: missense variant.
Genome position (GRCh38, 1-based): chr10:99,813,113, T>C. VCF-style: chr10-99813113-T-C. GRCh37 (hg19) VCF-style: chr10-101572870-T-C.
Other names: short protein forms M688T.
Identifiers: ClinVar variation 3382325 (VCV003382325.2).

ClinVar aggregate classification (germline): Likely pathogenic. Review status: criteria provided, multiple submitters, no conflicts (2 of 4 stars). 2 submissions from 2 submitters: Likely pathogenic (2). Last evaluated 2025-09-19.

Conditions:
Dubin-Johnson syndrome (DJS). Also called: HYPERBILIRUBINEMIA, DUBIN-JOHNSON TYPE; Jaundice, Chronic Idiopathic; Hyperbilirubinemia type 2. Identifiers: Orphanet 234, MedGen C0022350, MONDO:0009380, OMIM 237500.

Submissions (2):

First Genomix Gene Laboratory, Genetic Diagnostics Department
Classification: Likely pathogenic for Dubin-Johnson syndrome. Last evaluated: 2025-09-19. Review status: criteria provided, single submitter. Criteria: ACMG Guidelines, 2015. Collection method: clinical testing. Allele origin: germline. Inheritance: Autosomal recessive inheritance. Affected: no. Observed: 1 variant allele.

Juno Genomics, Hangzhou Juno Genomics, Inc
Classification: Likely pathogenic for Dubin-Johnson syndrome. Review status: criteria provided, single submitter. Criteria: ACMG Guidelines, 2015. Collection method: clinical testing. Allele origin: germline. Affected: yes.
Comment: Absent from controls (or at extremely low frequency if recessive) in Genome Aggregation Database, Exome Sequencing Project, 1000 Genomes Project, or Exome Aggregation Consortium.;Multiple lines of computational evidence support a deleterious effect on the gene or gene product (conservation, evolutionary, splicing impact, etc).;For recessive disorders, detected in trans with a pathogenic variant.;Patient's phenotype or family history is highly specific for a disease with a single genetic etiology.